The following is an entry in ClinVar:

NM_175875.5(SIX5):c.1849C>T (p.Leu617Phe)

Gene: SIX5 (SIX homeobox 5; minus strand). Cytogenetic location: 19q13.32.
Variant type: single nucleotide variant.
Coding change: c.1849C>T on transcript NM_175875.5 (MANE Select); coding-DNA position 1849, C replaced by T.
Protein change: p.Leu617Phe; replaces leucine 617 with phenylalanine.
Molecular consequence: missense variant.
Genome position (GRCh38, 1-based): chr19:45,765,872, G>A on the plus strand (C>T on the coding strand, the complement: SIX5 is on the minus strand). VCF-style: chr19-45765872-G-A. GRCh37 (hg19) VCF-style: chr19-46269130-G-A.
Other names: short protein forms L617F.
Identifiers: ClinVar variation 2109124 (VCV002109124.4), dbSNP rs2513598520, ClinGen allele CA406416746.

ClinVar aggregate classification (germline): Uncertain significance (1 of 4 stars; one submission).

Allele frequency attached by ClinVar (database versions not stated): gnomAD exomes below 0.00001; gnomAD 0.00001.

Submission:

Labcorp Genetics (formerly Invitae), Labcorp
Classification: Uncertain significance. Last evaluated: 2022-03-23. Review status: criteria provided, single submitter. Criteria: Invitae Variant Classification Sherloc (09022015). Collection method: clinical testing. Allele origin: germline.
Comment: This sequence change replaces leucine, which is neutral and non-polar, with phenylalanine, which is neutral and non-polar, at codon 617 of the SIX5 protein (p.Leu617Phe). This variant is not present in population databases (gnomAD no frequency). This variant has not been reported in the literature in individuals affected with SIX5-related conditions. Algorithms developed to predict the effect of missense changes on protein structure and function (SIFT, PolyPhen-2, Align-GVGD) all suggest that this variant is likely to be tolerated. In summary, the available evidence is currently insufficient to determine the role of this variant in disease. Therefore, it has been classified as a Variant of Uncertain Significance.